The following is an entry in ClinVar:

ClinVar aggregate classification (germline): Uncertain significance. Review status: criteria provided, multiple submitters, no conflicts (2 of 4 stars). 2 submissions from 2 submitters: Uncertain significance (2). Last evaluated 2025-06-10.

gnomAD v4.1: 10 of 1,612,986 alleles (0.00062%); highest among the groups gnomAD compares: Non-Finnish European, 0.00076%; no homozygotes.

Submissions (2):

GeneDx
Classification: Uncertain significance. Last evaluated: 2025-06-10. Review status: criteria provided, single submitter. Criteria: GeneDx Variant Classification Process June 2021. Collection method: clinical testing. Allele origin: germline. Affected: yes.
Comment: Not observed at significant frequency in large population cohorts (gnomAD); Missense variant in a gene in which most reported pathogenic variants are truncating/loss of function; Has not been previously published as pathogenic or benign to our knowledge

ARUP Laboratories, Molecular Genetics and Genomics, ARUP Laboratories
Classification: Uncertain significance. Last evaluated: 2025-05-23. Review status: criteria provided, single submitter. Criteria: ARUP Molecular Germline Variant Investigation Process 2024. Collection method: clinical testing. Allele origin: germline.
Comment: The TTN c.64169C>T; p.Pro21390Leu variant (rs763262121) is rare in the general population (<0.2% allele frequency in the Genome Aggregation Database) and has not been reported in the medical literature in association with dilated cardiomyopathy (DCM) or other TTN-related disease. The clinical relevance of rare missense variants in this gene, which are identified on average once per individual sequenced in affected populations (Herman 2012), is not well understood. Yet, evidence suggests that the vast majority of such missense variants do not contribute to the clinical outcome of DCM (Begay 2015). Thus, the clinical significance of the p.Pro21390Leu variant cannot be determined with certainty.

NM_001267550.2(TTN):c.64169C>T (p.Pro21390Leu)

Genes: TTN (titin; minus strand), TTN-AS1 (TTN antisense RNA 1; plus strand). Cytogenetic location: 2q31.2.
Variant type: single nucleotide variant.
Coding change: c.64169C>T on transcript NM_001267550.2 (MANE Select); coding-DNA position 64169, C replaced by T.
Protein change: p.Pro21390Leu; replaces proline 21390 with leucine.
Molecular consequence: missense variant.
Genome position (GRCh38, 1-based): chr2:178,586,732, G>A on the plus strand (C>T on the coding strand, the complement: TTN is on the minus strand). VCF-style: chr2-178586732-G-A. GRCh37 (hg19) VCF-style: chr2-179451459-G-A.
Other names: c.59246C>T, p.Pro19749Leu (NM_001256850.1); c.36974C>T, p.Pro12325Leu (NM_003319.4); c.56465C>T, p.Pro18822Leu (NM_133378.4); c.37349C>T, p.Pro12450Leu (NM_133432.3); c.37550C>T, p.Pro12517Leu (NM_133437.4); short protein forms P12325L, P12450L, P12517L, P18822L, P19749L, P21390L.
Identifiers: ClinVar variation 4538015 (VCV004538015.2).